The following is an entry in ClinVar:

ClinVar aggregate classification (germline): Likely benign (1 of 4 stars; one submission).

Allele frequency attached by ClinVar (database versions not stated): gnomAD 0.00001; gnomAD exomes 0.00005; ExAC 0.00009.
gnomAD v4.1: 79 of 1,613,308 alleles (0.0049%); highest among the groups gnomAD compares: South Asian, 0.083%; 1 homozygote.

Submission:

CeGaT Center for Human Genetics Tuebingen
Classification: Likely benign. Last evaluated: 2023-04-01. Review status: criteria provided, single submitter. Criteria: CeGaT Center For Human Genetics Tuebingen Variant Classification Criteria Version 2. Collection method: clinical testing. Allele origin: germline. Affected: yes. Observed: 1 variant allele.
Comment: ZNF30: BP4, BP7

NM_194325.3(ZNF30):c.723T>C (p.Phe241=)

Gene: ZNF30 (zinc finger protein 30; plus strand). Cytogenetic location: 19q13.11.
Variant type: single nucleotide variant.
Coding change: c.723T>C on transcript NM_194325.3 (MANE Select); coding-DNA position 723, T replaced by C.
Protein change: p.Phe241=; no amino-acid change (phenylalanine 241 retained).
Molecular consequence: synonymous variant. On other transcripts: non-coding transcript variant (1).
Genome position (GRCh38, 1-based): chr19:34,943,689, T>C. VCF-style: chr19-34943689-T-C. GRCh37 (hg19) VCF-style: chr19-35434593-T-C.
Other names: c.726T>C, p.Phe242= (NM_001099437.2, NM_001099438.2).
Identifiers: ClinVar variation 2649710 (VCV002649710.24), dbSNP rs767249695, ClinGen allele CA9370288.
Genomic context (GRCh38, chr19:34,943,689, plus strand): 5'-ACATAAGAGTATTCATACTGGGAAGAAACCATATGAGTGCGGGGAATGTGGGAAAGCTTT[T>C]CTAGTATATGGAAAGCTTACCCGGCATCAGAGTACTCACACTGGTGAAAAACCCTTTGGG-3'
Protein context (NP_919306.2, residues 231-251): PYECGECGKA[Phe241=]LVYGKLTRHQ